The following is an entry in ClinVar:

NM_003119.4(SPG7):c.2241T>G (p.Ile747Met)

Gene: SPG7 (SPG7 matrix AAA peptidase subunit, paraplegin; plus strand). Cytogenetic location: 16q24.3.
Variant type: single nucleotide variant.
Coding change: c.2241T>G on transcript NM_003119.4 (MANE Select); coding-DNA position 2241, T replaced by G.
Protein change: p.Ile747Met; replaces isoleucine 747 with methionine.
Molecular consequence: missense variant. On other transcripts: 3 prime UTR variant (1).
Genome position (GRCh38, 1-based): chr16:89,556,946, T>G. VCF-style: chr16-89556946-T-G. GRCh37 (hg19) VCF-style: chr16-89623354-T-G.
Other names: c.*19T>G (NM_001363850.1); short protein forms I747M.
Identifiers: ClinVar variation 1698810 (VCV001698810.3), dbSNP rs2152413170, ClinGen allele CA397417659.

ClinVar aggregate classification (germline): Uncertain significance (1 of 4 stars; one submission).

Conditions:
Hereditary spastic paraplegia 7 (SPG7). Also called: Spastic paraplegia 7; SPASTIC PARAPLEGIA 7, AUTOSOMAL RECESSIVE, WITH OR WITHOUT CEREBELLAR ATAXIA; SPG7-related neurologic disorder; Hereditary spastic paraplegia Paraplegin type; Autosomal recessive spastic paraplegia type 7. Identifiers: Orphanet 99013, MedGen C1846564, MONDO:0011803, OMIM 607259.

gnomAD v4.1: 1 of 1,614,042 alleles (0.000062%); highest among the groups gnomAD compares: South Asian, 0.0011%; no homozygotes.

Submission:

Genetics and Molecular Pathology, SA Pathology
Classification: Uncertain significance for Hereditary spastic paraplegia 7. Last evaluated: 2022-07-18. Review status: criteria provided, single submitter. Criteria: ACMG Guidelines, 2015. Collection method: clinical testing. Allele origin: germline. Inheritance: Autosomal recessive inheritance. Affected: yes.
Comment: The SPG7 c.2241T>G variant is classified as a VUS variant (PM2, PM5_supp, PM3) This missense variant is a single nucleotide change in exon 17/17 of the SPG7 gene, which is predicted to change the amino acid isoleucine at position 747 in the protein to methionine. This variant has not been reported in dbSNP and is absent from population databases (PM2). This is a novel missense variant at an amino acid residue where a different missense change (p.I747T) determined to be pathogenic has been previously reported (PM5_supp). This variant has not been reported in ClinVar or HGMD.